The following is an entry in ClinVar:

ClinVar aggregate classification (germline): Conflicting classifications of pathogenicity. Review status: criteria provided, conflicting classifications (1 of 4 stars). 2 submissions from 2 submitters: Uncertain significance (1); Likely benign (1). Last evaluated 2025-12-23.

Conditions:
Inborn genetic diseases. Identifiers: MedGen C0950123, MeSH D030342.
Primary open angle glaucoma (POAG). Also called: OPTN-related open angle glaucoma. Identifiers: MedGen C0339573, MONDO:0100553, OMIM 137760.
Glaucoma 1, open angle, E. Identifiers: MedGen C1842026, MONDO:0007665.
Amyotrophic lateral sclerosis type 12 (ALS12). Also called: AMYOTROPHIC LATERAL SCLEROSIS 12 WITH OR WITHOUT FRONTOTEMPORAL DEMENTIA. Identifiers: Orphanet 803, MedGen C3150692, MONDO:0013264, OMIM 613435.

Allele frequency attached by ClinVar (database versions not stated): gnomAD exomes 0.00001; ExAC 0.00002; gnomAD 0.00007; TOPMed 0.00008.
gnomAD v4.1: 24 of 1,613,414 alleles (0.0015%); highest among the groups gnomAD compares: African/African-American, 0.025%; no homozygotes.

Submissions (2):

Labcorp Genetics (formerly Invitae), Labcorp
Classification: Uncertain significance for Primary open angle glaucoma; Glaucoma 1, open angle, E; Amyotrophic lateral sclerosis type 12. Last evaluated: 2025-12-23. Review status: criteria provided, single submitter. Criteria: Invitae Variant Classification Sherloc (09022015). Collection method: clinical testing. Allele origin: germline.
Comment: This sequence change replaces histidine, which is basic and polar, with asparagine, which is neutral and polar, at codon 197 of the OPTN protein (p.His197Asn). This variant is present in population databases (rs759378585, gnomAD 0.03%). This variant has not been reported in the literature in individuals affected with OPTN-related conditions. ClinVar contains an entry for this variant (Variation ID: 2943879). Invitae Evidence Modeling of protein sequence and biophysical properties (such as structural, functional, and spatial information, amino acid conservation, physicochemical variation, residue mobility, and thermodynamic stability) indicates that this missense variant is not expected to disrupt OPTN protein function with a negative predictive value of 80%. In summary, the available evidence is currently insufficient to determine the role of this variant in disease. Therefore, it has been classified as a Variant of Uncertain Significance.

Ambry Genetics
Classification: Likely benign for Inborn genetic diseases. Last evaluated: 2021-08-17. Review status: criteria provided, single submitter. Criteria: Ambry Variant Classification Scheme 2023. Collection method: clinical testing. Allele origin: germline.

NM_001008212.2(OPTN):c.589C>A (p.His197Asn)

Gene: OPTN (optineurin; plus strand). Cytogenetic location: 10p13.
Variant type: single nucleotide variant.
Coding change: c.589C>A on transcript NM_001008212.2 (MANE Select); coding-DNA position 589, C replaced by A.
Protein change: p.His197Asn; replaces histidine 197 with asparagine.
Molecular consequence: missense variant.
Genome position (GRCh38, 1-based): chr10:13,116,303, C>A. VCF-style: chr10-13116303-C-A. GRCh37 (hg19) VCF-style: chr10-13158303-C-A.
Other names: c.589C>A, p.His197Asn (NM_001008211.1, NM_001008213.1, NM_021980.4); short protein forms H197N.
Identifiers: ClinVar variation 2943879 (VCV002943879.4), dbSNP rs759378585, ClinGen allele CA5410679.
Genomic context (GRCh38, chr10:13,116,303, plus strand): 5'-TCCCTTGCATTTCTGTTTTCACAGGAAGGAGAAGCAGAAGGGTCAGTAAAAGAAATCAAG[C>A]ATAGTCCTGGGCCCACGAGAACAGTCTCCACTGGCACGTATGTGAAGGAAGACTCGGGCT-3'
Protein context (NP_001008213.1, residues 187-207): EAEGSVKEIK[His197Asn]SPGPTRTVST